The following is an entry in ClinVar:

NM_001408.3(CELSR2):c.6555C>T (p.Pro2185=)

Gene: CELSR2 (cadherin EGF LAG seven-pass G-type receptor 2; plus strand). Cytogenetic location: 1p13.3.
Variant type: single nucleotide variant.
Coding change: c.6555C>T on transcript NM_001408.3 (MANE Select); coding-DNA position 6555, C replaced by T.
Protein change: p.Pro2185=; no amino-acid change (proline 2185 retained).
Molecular consequence: synonymous variant.
Genome position (GRCh38, 1-based): chr1:109,268,932, C>T. VCF-style: chr1-109268932-C-T. GRCh37 (hg19) VCF-style: chr1-109811554-C-T.
Other names: c.6555C>T (NM_001408.2).
Identifiers: ClinVar variation 2198331 (VCV002198331.6), dbSNP rs368143806, ClinGen allele CA987922.

ClinVar aggregate classification (germline): Benign. Review status: criteria provided, single submitter (1 of 4 stars). 2 submissions from 2 submitters: Benign (1). 1 of the submissions does not count toward it. Last evaluated 2023-07-08.

Conditions:
CELSR2-related disorder. Also called: CELSR2-related condition.

Allele frequency attached by ClinVar (database versions not stated): TOPMed 0.00006; gnomAD 0.00025; gnomAD exomes 0.00036; ExAC 0.00082; 1000 Genomes Project 30x 0.00156; 1000 Genomes Project 0.00180.
gnomAD v4.1: 559 of 1,613,368 alleles (0.035%); highest among the groups gnomAD compares: South Asian, 0.53%; 8 homozygotes.

Submissions (2):

Labcorp Genetics (formerly Invitae), Labcorp
Classification: Benign. Last evaluated: 2023-07-08. Review status: criteria provided, single submitter. Criteria: Invitae Variant Classification Sherloc (09022015). Collection method: clinical testing. Allele origin: germline.

PreventionGenetics, part of Exact Sciences
Classification: Likely benign for CELSR2-related condition. Last evaluated: 2019-02-22. Review status: no assertion criteria provided. Collection method: clinical testing. Allele origin: germline. Not counted in ClinVar's aggregate classification.
Comment: This variant is classified as likely benign based on ACMG/AMP sequence variant interpretation guidelines (Richards et al. 2015 PMID: 25741868, with internal and published modifications).